The following is an entry in ClinVar:

NM_005909.5(MAP1B):c.7268C>G (p.Thr2423Ser)

Gene: MAP1B (microtubule associated protein 1B; plus strand). Cytogenetic location: 5q13.2.
Variant type: single nucleotide variant.
Coding change: c.7268C>G on transcript NM_005909.5 (MANE Select); coding-DNA position 7268, C replaced by G.
Protein change: p.Thr2423Ser; replaces threonine 2423 with serine.
Molecular consequence: missense variant.
Genome position (GRCh38, 1-based): chr5:72,205,100, C>G. VCF-style: chr5-72205100-C-G. GRCh37 (hg19) VCF-style: chr5-71500927-C-G.
Other names: c.6890C>G, p.Thr2297Ser (NM_001324255.2); short protein forms T2297S, T2423S.
Identifiers: ClinVar variation 3389192 (VCV003389192.16).

ClinVar aggregate classification (germline): Uncertain significance. Review status: criteria provided, multiple submitters, no conflicts (2 of 4 stars). 2 submissions from 2 submitters: Uncertain significance (2). Last evaluated 2025-07-03.

gnomAD v4.1: 2 of 1,612,638 alleles (0.00012%); highest among the groups gnomAD compares: East Asian, 0.0022%; no homozygotes.

Submissions (2):

Dasa
Classification: Uncertain significance. Last evaluated: 2025-07-03. Review status: criteria provided, single submitter. Criteria: DASA Assertion Criteria. Collection method: clinical testing. Allele origin: germline.
Comment: NM_005909.5(MAP1B):c.7268C>G (p.Thr2423Ser) is a missense variant that results in the substitution of threonine with serine. This variant is rare in population databases. Computational prediction algorithms are consistent with a benign effect. The currently available literature and clinical evidence are not sufficient to establish a definitive association between this variant and the reported condition. Therefore, this variant is classified as a variant of uncertain significance.

CeGaT Center for Human Genetics Tuebingen
Classification: Uncertain significance. Last evaluated: 2024-11-01. Review status: criteria provided, single submitter. Criteria: CeGaT Center For Human Genetics Tuebingen Variant Classification Criteria Version 2. Collection method: clinical testing. Allele origin: germline. Affected: yes. Observed: 1 variant allele.
Comment: MAP1B: PM2